The following is an entry in ClinVar:

NM_001371189.2(UNC13B):c.3579C>T (p.Ser1193=)

Gene: UNC13B (unc-13 homolog B; plus strand). Cytogenetic location: 9p13.3.
Variant type: single nucleotide variant.
Coding change: c.3579C>T on transcript NM_001371189.2 (MANE Select); coding-DNA position 3579, C replaced by T.
Protein change: p.Ser1193=; no amino-acid change (serine 1193 retained).
Molecular consequence: synonymous variant. On other transcripts: intron variant (6).
Genome position (GRCh38, 1-based): chr9:35,302,983, C>T. VCF-style: chr9-35302983-C-T. GRCh37 (hg19) VCF-style: chr9-35302980-C-T.
Other names: c.797+7053C>T (NM_001387551.1); c.761+7053C>T (NM_001330653.3, NM_006377.6, NM_001371186.2); c.614+7053C>T (NM_001387553.1, NM_001387554.1).
Identifiers: ClinVar variation 3778234 (VCV003778234.7).
Genomic context (GRCh38, chr9:35,302,983, plus strand): 5'-CCATCACAAGAATAATACCCCAGGTTTAATCTCTGGAATATTTAACCTGCTATCAAATAG[C>T]GGTATGATTGATCATAAACCAGAGGAAGCAAAGTTCATGTCTTTAGGCAACATGAAGAGT-3'
Protein context (NP_001358118.1, residues 1183-1203): ISGIFNLLSN[Ser1193=]GMIDHKPEEA

ClinVar aggregate classification (germline): Likely benign (1 of 4 stars; one submission).

gnomAD v4.1: 32 of 398,498 alleles (0.008%); highest among the groups gnomAD compares: Admixed American, 0.035%; no homozygotes.

Submission:

CeGaT Center for Human Genetics Tuebingen
Classification: Likely benign. Last evaluated: 2025-03-01. Review status: criteria provided, single submitter. Criteria: CeGaT Center For Human Genetics Tuebingen Variant Classification Criteria Version 2. Collection method: clinical testing. Allele origin: germline. Affected: yes. Observed: 1 variant allele.
Comment: UNC13B: BP4, BP7